The following is an entry in ClinVar:

NM_006393.3(NEBL):c.154-282T>A

Gene: NEBL (nebulette; minus strand). Cytogenetic location: 10p12.31.
Variant type: single nucleotide variant.
Coding change: c.154-282T>A on transcript NM_006393.3 (MANE Select); 282 bases into the intron before coding-DNA position 154, T replaced by A.
Molecular consequence: intron variant.
Genome position (GRCh38, 1-based): chr10:20,890,231, A>T on the plus strand (T>A on the coding strand, the complement: NEBL is on the minus strand). VCF-style: chr10-20890231-A-T. GRCh37 (hg19) VCF-style: chr10-21179160-A-T.
Other names: c.249+71441T>A (NM_001377326.1, NM_001377327.1, NM_001377328.1); c.357+71441T>A (NM_213569.2, NM_001173484.2, NM_001377322.1); c.300+71441T>A (NM_001377324.1); c.291+71441T>A (NM_001377325.1); c.309+71441T>A (NM_001377323.1).
Identifiers: ClinVar variation 683660 (VCV000683660.1), dbSNP rs703102, ClinGen allele CA13318226.

ClinVar aggregate classification (germline): Benign (1 of 4 stars; one submission).

Allele frequency attached by ClinVar (database versions not stated): 1000 Genomes Project 30x 0.86368; 1000 Genomes Project 0.86761; TOPMed 0.86888; gnomAD 0.88361 and 0.88426.
gnomAD v4.1: 134,556 of 152,148 alleles (88%); highest among the groups gnomAD compares: South Asian, 92%; 59,714 homozygotes.

Submission:

GeneDx
Classification: Benign. Last evaluated: 2018-06-18. Review status: criteria provided, single submitter. Criteria: GeneDx Variant Classification (06012015). Collection method: clinical testing. Allele origin: germline. Affected: yes.
Comment: This variant is considered likely benign or benign based on one or more of the following criteria: it is a conservative change, it occurs at a poorly conserved position in the protein, it is predicted to be benign by multiple in silico algorithms, and/or has population frequency not consistent with disease.